The following is an entry in ClinVar:

ClinVar aggregate classification (germline): Pathogenic (1 of 4 stars; one submission).

Conditions:
Inborn genetic diseases. Identifiers: MedGen C0950123, MeSH D030342.

Submission:

Ambry Genetics
Classification: Pathogenic for Inborn genetic diseases. Last evaluated: 2022-09-20. Review status: criteria provided, single submitter. Criteria: Ambry Variant Classification Scheme 2023. Collection method: clinical testing. Allele origin: germline.
Comment: The c.4392_4395delTGTG (p.C1464Wfs*22) alteration, located in exon 31 (coding exon 30) of the MADD gene, consists of a deletion of 4 nucleotides from position 4392 to 4395, causing a translational frameshift with a predicted alternate stop codon after 22 amino acids. This alteration is expected to result in loss of function by premature protein truncation or nonsense-mediated mRNA decay. Based on data from gnomAD, the c.4392_4395delTGTG allele has an overall frequency of <0.01% (5/282360) total alleles studied. The highest observed frequency was 0.01% (1/7210) of Other alleles. Based on the available evidence, this alteration is classified as pathogenic.

NM_001376571.1(MADD):c.4392_4395del (p.Cys1464fs)

Gene: MADD (MAP kinase activating death domain; plus strand). Cytogenetic location: 11p11.2.
Variant type: Microsatellite.
Coding change: c.4392_4395del on transcript NM_001376571.1 (MANE Select); coding-DNA positions 4392 to 4395, 4 bases deleted (TGTG; older notation c.4392_4395delTGTG).
Protein change: p.Cys1464fs; shifts the reading frame from cysteine 1464.
Molecular consequence: frameshift variant. On other transcripts: non-coding transcript variant (8).
Genome position (GRCh38, 1-based): chr11:47,323,685-47,323,688, TGTG deleted; deleting any 4 consecutive bases within chr11:47,323,683-47,323,688 gives the same sequence; the c. name uses the placement nearest the transcript's 3' end. VCF-style (leftmost placement, unchanged base first): chr11-47323682-CTGTG-C. GRCh37 (hg19) VCF-style: chr11-47345233-CTGTG-C.
Other names: c.4083_4086del, p.Cys1361fs (NM_001135943.2); c.4074_4077del, p.Cys1358fs (NM_001135944.2, NM_001376618.1, NM_001376619.1 and 2 more transcripts); c.4380_4383del, p.Cys1460fs (NM_001376572.1, NM_001376573.1, NM_001376599.1 and 2 more transcripts); c.4338_4341del, p.Cys1446fs (NM_001376574.1, NM_001376605.1); c.4332_4335del, p.Cys1444fs (NM_001376575.1); c.4320_4323del, p.Cys1440fs (NM_001376576.1, NM_001376577.1, NM_001376610.1); c.4293_4296del, p.Cys1431fs (NM_001376578.1); c.4266_4269del, p.Cys1422fs (NM_001376579.1, NM_001376580.1, NM_001376622.1 and 1 more transcripts); and 43 more; short protein forms C1324fs, C1332fs, C1358fs, C1363fs, C1371fs, C1378fs, C1382fs, C1403fs.
Identifiers: ClinVar variation 2307248 (VCV002307248.2), dbSNP rs1359577297, ClinGen allele CA599374039.
Genomic context (GRCh38, chr11:47,323,682, plus strand): 5'-GAGGCTGTCAGAGACAGGAACCACTGAGCCGCTTTGTGCACTTCTCCAGGTGTGCGATGA[CTGTG>C]TGGTGTTGCGTAGTAACATCGGAACAGTGTATGAGCGCTGGTGGTACGAGAAGCTCATCA-3'